The following is an entry in ClinVar:

ClinVar aggregate classification (germline): Pathogenic. Review status: criteria provided, multiple submitters, no conflicts (2 of 4 stars). 3 submissions from 3 submitters: Pathogenic (3). Last evaluated 2025-11-07.

Conditions:
COL7A1-related disorder. Also called: COL7A1-related condition; COL7A1- related disorders.
Recessive dystrophic epidermolysis bullosa (RDEB). Also called: severe generalized recessive dystrophic epidermolysis bullosa; Recessive DEB (RDEB); DYSTROPHIC EPIDERMOLYSIS BULLOSA, AUTOSOMAL RECESSIVE; EPIDERMOLYSIS BULLOSA DYSTROPHICA, HALLOPEAU-SIEMENS TYPE; Hallopeau-Siemens Disease; EPIDERMOLYSIS BULLOSA DYSTROPHICA, GENERALIZED SEVERE, AUTOSOMAL RECESSIVE. Identifiers: Orphanet 79408, Orphanet 79409, MedGen C0079474, MONDO:0009179, OMIM 226600.

Submissions (3):

Myriad Genetics, Inc.
Classification: Pathogenic for Recessive dystrophic epidermolysis bullosa. Last evaluated: 2025-11-07. Review status: criteria provided, single submitter. Criteria: Myriad Autosomal Dominant, Autosomal Recessive and X-Linked Classification Criteria (2023). Collection method: clinical testing. Allele origin: unknown.
Comment: NM_000094.3(COL7A1):c.8505dupC(V2836Rfs*13) is expected to be pathogenic in the context of dystrophic epidermolysis bullosa. This variant is predicted to lead to an abnormal or absent protein product due to the creation of a premature termination codon in COL7A1, a gene where loss-of-function variants are known to be pathogenic. Please note: this variant was assessed in the context of healthy population screening.

Blueprint Genetics
Classification: Pathogenic for COL7A1-related disorders. Last evaluated: 2024-09-03. Review status: criteria provided, single submitter. Criteria: ACMG Guidelines, 2015. Collection method: clinical testing. Allele origin: germline. Affected: yes. Observed: 3 variant alleles.

Labcorp Genetics (formerly Invitae), Labcorp
Classification: Pathogenic. Last evaluated: 2022-12-13. Review status: criteria provided, single submitter. Criteria: Invitae Variant Classification Sherloc (09022015). Collection method: clinical testing. Allele origin: germline.
Comment: For these reasons, this variant has been classified as Pathogenic. This premature translational stop signal has been observed in individual(s) with autosomal recessive dystrophic epidermolysis bullosa (PMID: 12485454). This variant is not present in population databases (gnomAD no frequency). This sequence change creates a premature translational stop signal (p.Val2836Argfs*13) in the COL7A1 gene. It is expected to result in an absent or disrupted protein product. Loss-of-function variants in COL7A1 are known to be pathogenic (PMID: 16971478).

Literature cited by the submitters: PubMed 12485454 (cited by Labcorp Genetics (formerly Invitae), Labcorp); PubMed 16971478 (cited by Labcorp Genetics (formerly Invitae), Labcorp).

NM_000094.4(COL7A1):c.8505dup (p.Val2836fs)

Gene: COL7A1 (collagen type VII alpha 1 chain; minus strand). Cytogenetic location: 3p21.31.
Variant type: Duplication.
Coding change: c.8505dup on transcript NM_000094.4 (MANE Select); coding-DNA position 8505, one base duplicated (C; older notation c.8505dupC).
Protein change: p.Val2836fs; shifts the reading frame from valine 2836.
Molecular consequence: frameshift variant.
Genome position (GRCh38, 1-based): chr3:48,565,432, G duplicated on the plus strand (C on the coding strand, the reverse complement: COL7A1 is on the minus strand). VCF-style (leftmost placement, unchanged base first): chr3-48565431-C-CG. GRCh37 (hg19) VCF-style: chr3-48602864-C-CG.
Other names: short protein forms V2836fs.
Identifiers: ClinVar variation 2734496 (VCV002734496.5), dbSNP rs2043560480, ClinGen allele CA1363078917.
Genomic context (GRCh38, chr3:48,565,431, plus strand): 5'-CCCCACCCATAGCTGCCCCACGGGTTCAGCTGTCCTCACCTTCCTCCTCTGCATGAGAGA[C>CG]GCGGAGCACAGGCACAGCATGGAGCTGGGAGCCGGCAGTGTCTGCAGCATAACTAGGGAG-3'